The following is an entry in ClinVar:

NM_003036.4(SKI):c.930A>G (p.Lys310=)

Gene: SKI (SKI proto-oncogene; plus strand). Cytogenetic location: 1p36.33.
Variant type: single nucleotide variant.
Coding change: c.930A>G on transcript NM_003036.4 (MANE Select); coding-DNA position 930, A replaced by G.
Protein change: p.Lys310=; no amino-acid change (lysine 310 retained).
Molecular consequence: synonymous variant.
Genome position (GRCh38, 1-based): chr1:2,229,696, A>G. VCF-style: chr1-2229696-A-G. GRCh37 (hg19) VCF-style: chr1-2161135-A-G.
Identifiers: ClinVar variation 532226 (VCV000532226.14), dbSNP rs751629802, ClinGen allele CA536489.
Genomic context (GRCh38, chr1:2,229,696, plus strand): 5'-TTACACGGGCAAGGAGGAGCAGGCGCGCCTCGGCCGCTGCCTGGACGACGTGAAGGAGAA[A>G]TTCGACTATGGCAACAAGTACAAGCGGCGGGTGCCCCGGGTGAGTGGCCCCAGGCCTGGG-3'
Protein context (NP_003027.1, residues 300-320): LGRCLDDVKE[Lys310=]FDYGNKYKRR

ClinVar aggregate classification (germline): Likely benign. Review status: criteria provided, multiple submitters, no conflicts (2 of 4 stars). 4 submissions from 4 submitters: Likely benign (3). 1 of the submissions does not count toward it. Last evaluated 2025-12-15.

Conditions:
SKI-related disorder. Also called: SKI-related condition.
Shprintzen-Goldberg syndrome (SGS). Also called: SHPRINTZEN-GOLDBERG CRANIOSYNOSTOSIS SYNDROME; CRANIOSYNOSTOSIS WITH ARACHNODACTYLY AND ABDOMINAL HERNIAS; Marfanoid disorder with craniosynostosis type 1; Marfanoid craniosynostosis syndrome; Shprintzen-Goldberg marfanoid syndrome. Identifiers: Orphanet 2462, MedGen C1321551, MONDO:0008426, OMIM 182212.
Familial thoracic aortic aneurysm and aortic dissection (TAAD). Also called: Thoracic aortic aneurysms and dissections. Identifiers: Orphanet 91387, MedGen C4707243, MONDO:0019625.

Allele frequency attached by ClinVar (database versions not stated): gnomAD 0.00002 and 0.00003; TOPMed 0.00003; ExAC 0.00006; gnomAD exomes 0.00002 and 0.00007.
gnomAD v4.1: 96 of 1,595,980 alleles (0.006%); highest among the groups gnomAD compares: Non-Finnish European, 0.0079%; no homozygotes.

Submissions (4):

Labcorp Genetics (formerly Invitae), Labcorp
Classification: Likely benign for Shprintzen-Goldberg syndrome. Last evaluated: 2025-12-15. Review status: criteria provided, single submitter. Criteria: Invitae Variant Classification Sherloc (09022015). Collection method: clinical testing. Allele origin: germline.

ARUP Laboratories, Molecular Genetics and Genomics, ARUP Laboratories
Classification: Likely benign for Shprintzen-Goldberg syndrome. Last evaluated: 2025-04-23. Review status: criteria provided, single submitter. Criteria: ARUP Molecular Germline Variant Investigation Process 2024. Collection method: clinical testing. Allele origin: germline.

Ambry Genetics
Classification: Likely benign for Familial thoracic aortic aneurysm and aortic dissection. Last evaluated: 2019-08-29. Review status: criteria provided, single submitter. Criteria: Ambry Variant Classification Scheme 2023. Collection method: clinical testing. Allele origin: germline.

PreventionGenetics, part of Exact Sciences
Classification: Likely benign for SKI-related condition. Last evaluated: 2021-03-21. Review status: no assertion criteria provided. Collection method: clinical testing. Allele origin: germline. Not counted in ClinVar's aggregate classification.
Comment: This variant is classified as likely benign based on ACMG/AMP sequence variant interpretation guidelines (Richards et al. 2015 PMID: 25741868, with internal and published modifications).